The following is an entry in ClinVar:

ClinVar aggregate classification (germline): Conflicting classifications of pathogenicity. Review status: criteria provided, conflicting classifications (1 of 4 stars). 7 submissions from 7 submitters: Uncertain significance (6); Likely benign (1). Last evaluated 2026-09-11.

Conditions:
DSP-related disorder. Also called: DSP-related condition; DSP-related disorders.
Arrhythmogenic cardiomyopathy with wooly hair and keratoderma. Also called: Carvajal syndrome; Dilated cardiomyopathy with woolly hair and keratoderma; PALMOPLANTAR KERATODERMA WITH LEFT VENTRICULAR CARDIOMYOPATHY AND WOOLLY HAIR; Arrhythmogenic cardiomyopathy with woolly hair and keratoderma. Identifiers: Orphanet 65282, MedGen C1854063, MONDO:0011581, OMIM 605676.
Lethal acantholytic epidermolysis bullosa (EBLA). Identifiers: Orphanet 158687, MedGen C1864826, MONDO:0012323, OMIM 609638.
Keratosis palmoplantaris striata 2. Also called: KERATODERMA, PALMOPLANTAR, STRIATE FORM II; STRIATE PALMOPLANTAR KERATODERMA II; Keratosis palmoplantaris striata II. Identifiers: MedGen C1852127, MONDO:0013034, OMIM 612908.
Woolly hair-skin fragility syndrome (WHSF). Identifiers: Orphanet 293165, MedGen C1843292, MONDO:0957307, OMIM 620415.
Arrhythmogenic right ventricular dysplasia 8 (ARVD8). Also called: Arrhythmogenic Right Ventricular Dysplasia/Cardiomyopathy 8; ARRHYTHMOGENIC RIGHT VENTRICULAR CARDIOMYOPATHY 8; ARRHYTHMOGENIC RIGHT VENTRICULAR DYSPLASIA, FAMILIAL, 8. Identifiers: MedGen C1843896, MONDO:0011831, OMIM 607450.
Cardiomyopathy, dilated, with wooly hair, keratoderma, and tooth agenesis. Also called: Erythrokeratodermia-cardiomyopathy syndrome; Cardiomyopathy, dilated, with woolly hair, keratoderma, and tooth agenesis. Identifiers: Orphanet 476096, Orphanet 65282, MedGen C4014393, MONDO:0014355, OMIM 615821.
Cardiovascular phenotype. Identifiers: MedGen CN230736.
Cardiomyopathy (CMYO). Also called: Cardiomyopathies. Identifiers: Orphanet 167848, MedGen C0878544, MONDO:0004994, HP:0001638. Inheritance: Various modes of inheritance.

Allele frequency attached by ClinVar (database versions not stated): ExAC 0.00001; gnomAD 0.00001; gnomAD exomes 0.00002 and 0.00003; TOPMed 0.00003.
gnomAD v4.1: 43 of 1,613,124 alleles (0.0027%); highest among the groups gnomAD compares: East Asian, 0.0089%; no homozygotes.

Submissions (7):

PreventionGenetics, part of Exact Sciences
Classification: Uncertain significance for DSP-related condition. Last evaluated: 2026-09-11. Review status: criteria provided, single submitter. Criteria: ACMG Guidelines, 2015. Collection method: clinical testing. Allele origin: germline.
Comment: The DSP c.2822G>A variant is predicted to result in the amino acid substitution p.Arg941Gln. To our knowledge, this variant has not been reported in the literature. This variant is reported in 0.0087% of alleles in individuals of Latino descent in gnomAD. At this time, the clinical significance of this variant is uncertain due to the absence of conclusive functional and genetic evidence.

Ambry Genetics
Classification: Uncertain significance for Cardiovascular phenotype. Last evaluated: 2025-09-10. Review status: criteria provided, single submitter. Criteria: Ambry Variant Classification Scheme 2023. Collection method: clinical testing. Allele origin: germline.

Labcorp Genetics (formerly Invitae), Labcorp
Classification: Likely benign for Arrhythmogenic cardiomyopathy with wooly hair and keratoderma; Arrhythmogenic right ventricular dysplasia 8. Last evaluated: 2024-12-29. Review status: criteria provided, single submitter. Criteria: Invitae Variant Classification Sherloc (09022015). Collection method: clinical testing. Allele origin: germline.

All of Us Research Program, National Institutes of Health
Classification: Uncertain significance for Arrhythmogenic cardiomyopathy with wooly hair and keratoderma. Last evaluated: 2024-08-19. Review status: criteria provided, single submitter. Criteria: ACMG Guidelines, 2015. Collection method: clinical testing. Allele origin: germline. Inheritance: Autosomal dominant inheritance. Observed: 9 variant alleles, 9 heterozygotes.
Comment: This missense variant replaces arginine with glutamine at codon 941 of the DSP protein. Computational prediction suggests that this variant may not impact protein structure and function (internally defined REVEL score threshold <= 0.5, PMID: 27666373). To our knowledge, functional studies have not been reported for this variant. This variant has not been reported in individuals affected with cardiovascular disorders in the literature. This variant has been identified in 6/251026 chromosomes in the general population by the Genome Aggregation Database (gnomAD). The available evidence is insufficient to determine the role of this variant in disease conclusively. Therefore, this variant is classified as a Variant of Uncertain Significance.

This study involves interpretation of variants in research participants for the purpose of population health screening. Participant phenotype was not available at the time of variant classification. Additional details can be found in publication PMID: 35346344, PMCID: PMC8962531

Color Diagnostics, LLC DBA Color Health
Classification: Uncertain significance for Cardiomyopathy. Last evaluated: 2024-05-23. Review status: criteria provided, single submitter. Criteria: ACMG Guidelines, 2015. Collection method: clinical testing. Allele origin: germline.
Comment: This missense variant replaces arginine with glutamine at codon 941 of the DSP protein. Computational prediction suggests that this variant may not impact protein structure and function. To our knowledge, functional studies have not been reported for this variant. This variant has not been reported in individuals affected with cardiovascular disorders in the literature. This variant has been identified in 6/251026 chromosomes in the general population by the Genome Aggregation Database (gnomAD). The available evidence is insufficient to determine the role of this variant in disease conclusively. Therefore, this variant is classified as a Variant of Uncertain Significance.

Fulgent Genetics
Classification: Uncertain significance for Arrhythmogenic cardiomyopathy with wooly hair and keratoderma; Arrhythmogenic right ventricular dysplasia 8; Lethal acantholytic epidermolysis bullosa; Keratosis palmoplantaris striata 2; Cardiomyopathy, dilated, with wooly hair, keratoderma, and tooth agenesis. Last evaluated: 2022-01-25. Review status: criteria provided, single submitter. Criteria: ACMG Guidelines, 2015. Collection method: clinical testing. Allele origin: unknown.

GeneDx
Classification: Uncertain significance. Last evaluated: 2022-01-07. Review status: criteria provided, single submitter. Criteria: GeneDx Variant Classification Process June 2021. Collection method: clinical testing. Allele origin: germline. Affected: yes.
Comment: Has not been previously published as pathogenic or benign to our knowledge; In silico analysis supports that this missense variant does not alter protein structure/function; Reported in ClinVar as a variant of uncertain significance (ClinVar Variant ID# 188463)

NM_004415.4(DSP):c.2822G>A (p.Arg941Gln)

Gene: DSP (desmoplakin; plus strand). Cytogenetic location: 6p24.3.
Variant type: single nucleotide variant.
Coding change: c.2822G>A on transcript NM_004415.4 (MANE Select); coding-DNA position 2822, G replaced by A.
Protein change: p.Arg941Gln; replaces arginine 941 with glutamine.
Molecular consequence: missense variant.
Genome position (GRCh38, 1-based): chr6:7,576,987, G>A. VCF-style: chr6-7576987-G-A. GRCh37 (hg19) VCF-style: chr6-7577220-G-A.
Other names: p.R941Q:CGA>CAA; c.2822G>A, p.Arg941Gln (NM_001008844.3, NM_001319034.2); c.2822G>A (NM_004415.3); short protein forms R941Q.
Identifiers: ClinVar variation 188463 (VCV000188463.23), dbSNP rs759869347, ClinGen allele CA005638.